The following is an entry in ClinVar:

ClinVar aggregate classification (germline): Uncertain significance (1 of 4 stars; one submission).

Conditions:
Birk-Barel syndrome. Also called: MENTAL RETARDATION WITH HYPOTONIA AND FACIAL DYSMORPHISM; KCNK9 Imprinting Syndrome. Identifiers: Orphanet 166108, MedGen C2676770, MONDO:0012856, OMIM 612292.

gnomAD v4.1: 3 of 1,614,120 alleles (0.00019%); highest among the groups gnomAD compares: South Asian, 0.0011%; no homozygotes.

Submission:

Dasa
Classification: Uncertain significance for Birk-Barel syndrome. Last evaluated: 2025-11-07. Review status: criteria provided, single submitter. Criteria: DASA Assertion Criteria. Collection method: clinical testing. Allele origin: germline.
Comment: NM_001282534.2(KCNK9):c.314C>T (p.Ala105Val) is a missense variant that results in the substitution of alanine with valine. This variant is rare in population databases. The currently available literature and clinical evidence are not sufficient to establish a definitive association between this variant and the reported condition. Therefore, this variant is classified as a variant of uncertain significance.

NM_001282534.2(KCNK9):c.314C>T (p.Ala105Val)

Gene: KCNK9 (potassium two pore domain channel subfamily K member 9; minus strand). Cytogenetic location: 8q24.3.
Variant type: single nucleotide variant.
Coding change: c.314C>T on transcript NM_001282534.2 (MANE Select); coding-DNA position 314, C replaced by T.
Protein change: p.Ala105Val; replaces alanine 105 with valine.
Molecular consequence: missense variant. On other transcripts: non-coding transcript variant (1).
Genome position (GRCh38, 1-based): chr8:139,619,069, G>A on the plus strand (C>T on the coding strand, the complement: KCNK9 is on the minus strand). VCF-style: chr8-139619069-G-A. GRCh37 (hg19) VCF-style: chr8-140631312-G-A.
Other names: short protein forms A105V.
Identifiers: ClinVar variation 4881462 (VCV004881462.2).